The following is an entry in ClinVar:

ClinVar aggregate classification (germline): Benign/Likely benign. Review status: criteria provided, multiple submitters, no conflicts (2 of 4 stars). 10 submissions from 10 submitters: Benign (7); Likely benign (1). 2 of the submissions do not count toward it. Last evaluated 2026-02-04.

Conditions:
Hereditary angioedema type 3 (HAE3). Also called: ESTROGEN-RELATED HAE; ESTROGEN-SENSITIVE HAE; HAE WITH NORMAL C1 INHIBITOR CONCENTRATION AND FUNCTION; ANGIONEUROTIC EDEMA, HEREDITARY, WITH NORMAL C1 INHIBITOR CONCENTRATION AND FUNCTION. Identifiers: Orphanet 100054, MedGen C1857728, MONDO:0012526, OMIM 610618.

Allele frequency attached by ClinVar (database versions not stated): 1000 Genomes Project 30x 0.32339; 1000 Genomes Project 0.32348; TOPMed 0.44446; ESP Exome Variant Server 0.48836.

Submissions (10):

Labcorp Genetics (formerly Invitae), Labcorp
Classification: Benign. Last evaluated: 2026-02-04. Review status: criteria provided, single submitter. Criteria: Invitae Variant Classification Sherloc (09022015). Collection method: clinical testing. Allele origin: germline.

Blueprint Genetics
Classification: Likely benign. Last evaluated: 2024-11-26. Review status: criteria provided, single submitter. Criteria: ACMG Guidelines, 2015. Collection method: clinical testing. Allele origin: germline.

Genome-Nilou Lab
Classification: Benign for Hereditary angioedema type 3. Last evaluated: 2021-08-10. Review status: criteria provided, single submitter. Criteria: ACMG Guidelines, 2015. Collection method: clinical testing. Allele origin: germline. Affected: no.

GeneDx
Classification: Benign. Last evaluated: 2018-11-10. Review status: criteria provided, single submitter. Criteria: GeneDx Variant Classification Process June 2021. Collection method: clinical testing. Allele origin: germline. Affected: yes.

Illumina Laboratory Services, Illumina
Classification: Benign for Hereditary angioedema type 3. Last evaluated: 2018-01-13. Review status: criteria provided, single submitter. Criteria: ICSL Variant Classification Criteria 13 December 2019. Collection method: clinical testing. Allele origin: germline.
Comment: This variant was observed in the ICSL laboratory as part of a predisposition screen in an ostensibly healthy population. It had not been previously curated by ICSL or reported in the Human Gene Mutation Database (HGMD: prior to June 1st, 2018), and was therefore a candidate for classification through an automated scoring system. Utilizing variant allele frequency, disease prevalence and penetrance estimates, and inheritance mode, an automated score was calculated to assess if this variant is too frequent to cause the disease. Based on the score and internal cut-off values, a variant classified as benign is not then subjected to further curation. The score for this variant resulted in a classification of benign for this disease.

Mayo Clinic Laboratories, Mayo Clinic
Classification: Benign. Last evaluated: 2016-05-26. Review status: criteria provided, single submitter. Criteria: ACMG Guidelines, 2015. Collection method: clinical testing. Allele origin: germline. Observed: 150 variant alleles.

Laboratory for Molecular Medicine, Mass General Brigham Personalized Medicine
Classification: Benign. Last evaluated: 2016-03-28. Review status: criteria provided, single submitter. Criteria: LMM Criteria. Collection method: clinical testing. Allele origin: germline.
Comment: Variant identified in a genome or exome case(s) and assessed due to predicted null impact of the variant or pathogenic assertions in the literature or databases. Disclaimer: This variant has not undergone full assessment. The following are preliminary notes: Frequency

PreventionGenetics, part of Exact Sciences
Classification: Benign. Review status: criteria provided, single submitter. Criteria: ACMG Guidelines, 2015. Collection method: clinical testing. Allele origin: germline.

Diagnostic Laboratory, Department of Genetics, University Medical Center Groningen
Classification: Benign. Review status: no assertion criteria provided. Collection method: clinical testing. Allele origin: germline. Affected: yes. Study: VKGL Data-share Consensus. Not counted in ClinVar's aggregate classification.

Joint Genome Diagnostic Labs from Nijmegen and Maastricht, Radboudumc and MUMC+
Classification: Benign. Review status: no assertion criteria provided. Collection method: clinical testing. Allele origin: germline. Affected: yes. Study: VKGL Data-share Consensus. Not counted in ClinVar's aggregate classification.

NM_000505.4(F12):c.1251-9C>T

Gene: F12 (coagulation factor XII; minus strand). Cytogenetic location: 5q35.3.
Variant type: single nucleotide variant.
Coding change: c.1251-9C>T on transcript NM_000505.4 (MANE Select); 9 bases into the intron before coding-DNA position 1251, C replaced by T.
Molecular consequence: intron variant.
Genome position (GRCh38, 1-based): chr5:177,403,626, G>A on the plus strand (C>T on the coding strand, the complement: F12 is on the minus strand). VCF-style: chr5-177403626-G-A. GRCh37 (hg19) VCF-style: chr5-176830627-G-A.
Other names: p.?.
Identifiers: ClinVar variation 256309 (VCV000256309.27), dbSNP rs17876032, ClinGen allele CA3581221.